The following is an entry in ClinVar:

ClinVar aggregate classification (germline): Uncertain significance (1 of 4 stars; one submission).

Conditions:
Cardiovascular phenotype. Identifiers: MedGen CN230736.

gnomAD v4.1: 1 of 1,607,784 alleles (0.000062%); highest among the groups gnomAD compares: East Asian, 0.0022%; no homozygotes.

Submission:

Ambry Genetics
Classification: Uncertain significance for Cardiovascular phenotype. Last evaluated: 2024-04-25. Review status: criteria provided, single submitter. Criteria: Ambry Variant Classification Scheme 2023. Collection method: clinical testing. Allele origin: germline.
Comment: The p.L6R variant (also known as c.17T>G), located in coding exon 1 of the CACNA2D1 gene, results from a T to G substitution at nucleotide position 17. The leucine at codon 6 is replaced by arginine, an amino acid with dissimilar properties. This amino acid position is conserved. In addition, this alteration is predicted to be tolerated by in silico analysis. Based on the available evidence, the clinical significance of this variant remains unclear.

NM_000722.4(CACNA2D1):c.17T>G (p.Leu6Arg)

Gene: CACNA2D1 (calcium voltage-gated channel auxiliary subunit alpha2delta 1; minus strand). Cytogenetic location: 7q21.11.
Variant type: single nucleotide variant.
Coding change: c.17T>G on transcript NM_000722.4 (MANE Select); coding-DNA position 17, T replaced by G.
Protein change: p.Leu6Arg; replaces leucine 6 with arginine.
Molecular consequence: missense variant.
Genome position (GRCh38, 1-based): chr7:82,443,443, A>C on the plus strand (T>G on the coding strand, the complement: CACNA2D1 is on the minus strand). VCF-style: chr7-82443443-A-C. GRCh37 (hg19) VCF-style: chr7-82072759-A-C.
Other names: c.17T>G, p.Leu6Arg (NM_001302890.2, NM_001366867.1); short protein forms L6R.
Identifiers: ClinVar variation 3262813 (VCV003262813.1).
Genomic context (GRCh38, chr7:82,443,443, plus strand): 5'-GGCTCCTCCGACGAGGGGCCGATGAGCAAAGATTGGAAAAGTGTCAGAGTCAAGGCCAGC[A>C]GGCAGCCAGCAGCCATCTTCGCGATCGAAGATCAATGCCCCCTCCCTGCCCAAGCGGGGG-3'
Protein context (NP_000713.2, residues 1-16): MAAGC[Leu6Arg]LALTLTLFQS